The following is an entry in ClinVar:

ClinVar aggregate classification (germline): Uncertain significance (1 of 4 stars; one submission).

Allele frequency attached by ClinVar (database versions not stated): gnomAD exomes below 0.00001.
gnomAD v4.1: 1 of 1,606,822 alleles (0.000062%); highest among the groups gnomAD compares: Admixed American, 0.0017%; no homozygotes.

Submission:

Labcorp Genetics (formerly Invitae), Labcorp
Classification: Uncertain significance. Last evaluated: 2024-11-05. Review status: criteria provided, single submitter. Criteria: Invitae Variant Classification Sherloc (09022015). Collection method: clinical testing. Allele origin: germline.
Comment: This sequence change replaces threonine, which is neutral and polar, with serine, which is neutral and polar, at codon 864 of the KIAA1549 protein (p.Thr864Ser). This variant is not present in population databases (gnomAD no frequency). This variant has not been reported in the literature in individuals affected with KIAA1549-related conditions. ClinVar contains an entry for this variant (Variation ID: 2006767). An algorithm developed to predict the effect of missense changes on protein structure and function (PolyPhen-2) suggests that this variant is likely to be tolerated. In summary, the available evidence is currently insufficient to determine the role of this variant in disease. Therefore, it has been classified as a Variant of Uncertain Significance.

NM_001164665.2(KIAA1549):c.2591C>G (p.Thr864Ser)

Gene: KIAA1549 (KIAA1549; minus strand). Cytogenetic location: 7q34.
Variant type: single nucleotide variant.
Coding change: c.2591C>G on transcript NM_001164665.2 (MANE Select); coding-DNA position 2591, C replaced by G.
Protein change: p.Thr864Ser; replaces threonine 864 with serine.
Molecular consequence: missense variant.
Genome position (GRCh38, 1-based): chr7:138,917,035, G>C on the plus strand (C>G on the coding strand, the complement: KIAA1549 is on the minus strand). VCF-style: chr7-138917035-G-C. GRCh37 (hg19) VCF-style: chr7-138601781-G-C.
Other names: c.2591C>G, p.Thr864Ser (NM_020910.3); short protein forms T864S.
Identifiers: ClinVar variation 2006767 (VCV002006767.4), dbSNP rs1200089654, ClinGen allele CA369392357.